The following is an entry in ClinVar:

NC_000001.10:g.(?_237205802)_(237519305_?)dup

Gene: RYR2 (ryanodine receptor 2; plus strand). Cytogenetic location: 1q43.
Variant type: Duplication.
Identifiers: ClinVar variation 1066855 (VCV001066855.3).

ClinVar aggregate classification (germline): Likely pathogenic (1 of 4 stars; one submission).

Conditions:
Catecholaminergic polymorphic ventricular tachycardia (CVPT). Also called: Catecholamine-induced polymorphic ventricular tachycardia. Identifiers: Orphanet 3286, MedGen C5574922, MONDO:0017990.

Submission:

Labcorp Genetics (formerly Invitae), Labcorp
Classification: Likely pathogenic for Catecholaminergic polymorphic ventricular tachycardia 1. Last evaluated: 2020-04-03. Review status: criteria provided, single submitter. Criteria: Invitae Variant Classification Sherloc (09022015). Collection method: clinical testing. Allele origin: germline.
Comment: This variant results in a copy number gain of the genomic region encompassing exon(s) 1-4 of the RYR2 gene, which includes the initiator codon. The 5' end of this event is unknown as it extends beyond the assayed region for this gene and therefore may encompass additional genes. The 3' boundary is likely confined to intron 4 of the RYR2 gene. Although the duplication was reported as likely in tandem (PMID: 31913406), the exact location of this variant in the genome is unknown and it may be in tandem or it may be located elsewhere in the genome. Gain (exons 1-4), copy number = 4 in RYR2 has been reported in several individuals with exercise-associated ventricular fibrillation (PMID: 31913406). Familial testing in Amish families indicates the affected relatives are homozygous for a duplication of exons 1-4 in RYR2. Homozygous individuals have experienced sudden death due to suspected ventricular fibrillation or resuscitated cardiac arrest. Heterozygous relatives with a single duplication of exons 1-4 (copy number = 3) are clinically unaffected without identifiable cardiac abnormalities. The Gain (exons 1-4), copy number = 4 has only been reported in Amish families to date, the risk of arrhythmia in individuals who are not of Amish ancestry is unknown. In summary, the currently available evidence indicates that the variant is pathogenic, but additional data are needed to prove that conclusively. Therefore, this variant has been classified as Likely Pathogenic.

Literature cited by the submitters: PubMed 31913406.